The following is an entry in ClinVar:

NM_012199.5(AGO1):c.853C>T (p.Arg285Cys)

Genes: AGO1 (argonaute RISC component 1; plus strand), LOC126805695 (MED14-independent group 3 enhancer GRCh37_chr1:36359789-36360988; plus strand). Cytogenetic location: 1p34.3.
Variant type: single nucleotide variant.
Coding change: c.853C>T on transcript NM_012199.5 (MANE Select); coding-DNA position 853, C replaced by T.
Protein change: p.Arg285Cys; replaces arginine 285 with cysteine.
Molecular consequence: missense variant.
Genome position (GRCh38, 1-based): chr1:35,894,383, C>T. VCF-style: chr1-35894383-C-T. GRCh37 (hg19) VCF-style: chr1-36359984-C-T.
Other names: c.853C>T, p.Arg285Cys (NM_001317122.2); c.628C>T, p.Arg210Cys (NM_001317123.2); short protein forms R210C, R285C.
Identifiers: ClinVar variation 1912889 (VCV001912889.5), dbSNP rs1645279588, ClinGen allele CA339369330.

ClinVar aggregate classification (germline): Uncertain significance (1 of 4 stars; one submission).

Allele frequency attached by ClinVar (database versions not stated): gnomAD exomes below 0.00001; gnomAD 0.00001; TOPMed 0.00001.
gnomAD v4.1: 2 of 1,614,000 alleles (0.00012%); highest among the groups gnomAD compares: African/African-American, 0.0027%; no homozygotes.

Submission:

Labcorp Genetics (formerly Invitae), Labcorp
Classification: Uncertain significance. Last evaluated: 2022-07-28. Review status: criteria provided, single submitter. Criteria: Invitae Variant Classification Sherloc (09022015). Collection method: clinical testing. Allele origin: germline.
Comment: This variant has not been reported in the literature in individuals affected with AGO1-related conditions. This variant is not present in population databases (gnomAD no frequency). This sequence change replaces arginine, which is basic and polar, with cysteine, which is neutral and slightly polar, at codon 285 of the AGO1 protein (p.Arg285Cys). Algorithms developed to predict the effect of missense changes on protein structure and function are either unavailable or do not agree on the potential impact of this missense change (SIFT: "Not Available"; PolyPhen-2: "Possibly Damaging"; Align-GVGD: "Not Available"). In summary, the available evidence is currently insufficient to determine the role of this variant in disease. Therefore, it has been classified as a Variant of Uncertain Significance.